The following is an entry in ClinVar:

NM_000179.3(MSH6):c.2064C>A (p.Val688=)

Gene: MSH6 (mutS homolog 6; plus strand). Cytogenetic location: 2p16.3.
Variant type: single nucleotide variant.
Coding change: c.2064C>A on transcript NM_000179.3 (MANE Select); coding-DNA position 2064, C replaced by A.
Protein change: p.Val688=; no amino-acid change (valine 688 retained).
Molecular consequence: synonymous variant.
Genome position (GRCh38, 1-based): chr2:47,800,047, C>A. VCF-style: chr2-47800047-C-A. GRCh37 (hg19) VCF-style: chr2-48027186-C-A.
Other names: c.1674C>A, p.Val558= (NM_001281492.2); c.1158C>A, p.Val386= (NM_001281493.2, NM_001281494.2).
Identifiers: ClinVar variation 1171431 (VCV001171431.8), dbSNP rs1057524297, ClinGen allele CA426121388.
Genomic context (GRCh38, chr2:47,800,047, plus strand): 5'-CATTGGGTTGACACCAGGAGAGAAAAGTGAATTGGCCCTCTCTGCTCTAGGTGGTTGTGT[C>A]TTCTACCTCAAAAAATGCCTTATTGATCAGGAGCTTTTATCAATGGCTAATTTTGAAGAA-3'
Protein context (NP_000170.1, residues 678-698): ELALSALGGC[Val688=]FYLKKCLIDQ

ClinVar aggregate classification (germline): Benign/Likely benign. Review status: criteria provided, multiple submitters, no conflicts (2 of 4 stars). 4 submissions from 4 submitters: Benign (1); Likely benign (3). Last evaluated 2024-12-30.

Conditions:
Lynch syndrome 5 (LYNCH5). Also called: Hereditary non-polyposis colorectal cancer, type 5; Colorectal cancer, hereditary nonpolyposis, type 5. Identifiers: Orphanet 144, MedGen C1833477, MONDO:0013710, OMIM 614350. Disease mechanism: loss of function.
Hereditary cancer-predisposing syndrome. Also called: Tumor predisposition; Hereditary neoplastic syndrome; Hereditary Cancer Syndrome; Neoplastic Syndromes, Hereditary. Identifiers: Orphanet 140162, MedGen C0027672, MeSH D009386, MONDO:0015356.

Submissions (4):

Myriad Genetics, Inc.
Classification: Benign for Lynch syndrome 5. Last evaluated: 2024-12-30. Review status: criteria provided, single submitter. Criteria: Myriad Autosomal Dominant, Autosomal Recessive and X-Linked Classification Criteria (2023). Collection method: clinical testing. Allele origin: unknown.
Comment: This variant is considered benign. This variant is a silent/synonymous amino acid change and it is not expected to impact splicing.

Ambry Genetics
Classification: Likely benign for Hereditary cancer-predisposing syndrome. Last evaluated: 2022-04-04. Review status: criteria provided, single submitter. Criteria: Ambry Variant Classification Scheme 2023. Collection method: clinical testing. Allele origin: germline.

Color Diagnostics, LLC DBA Color Health
Classification: Likely benign for Hereditary cancer-predisposing syndrome. Last evaluated: 2020-05-26. Review status: criteria provided, single submitter. Criteria: ACMG Guidelines, 2015. Collection method: clinical testing. Allele origin: germline.

GeneDx
Classification: Likely benign. Last evaluated: 2019-10-23. Review status: criteria provided, single submitter. Criteria: GeneDx Variant Classification Process June 2021. Collection method: clinical testing. Allele origin: germline. Affected: yes.